The following is an entry in ClinVar:

ClinVar aggregate classification (germline): Benign/Likely benign. Review status: criteria provided, multiple submitters, no conflicts (2 of 4 stars). 26 submissions from 26 submitters: Benign (7); Likely benign (10). 9 of the submissions do not count toward it. Last evaluated 2026-08-01.

Conditions:
STK11-related disorder. Also called: STK11-related condition.
Hereditary cancer-predisposing syndrome. Also called: Neoplastic Syndromes, Hereditary; Tumor predisposition; Hereditary neoplastic syndrome; Hereditary Cancer Syndrome. Identifiers: Orphanet 140162, MedGen C0027672, MeSH D009386, MONDO:0015356.
Breast and/or ovarian cancer. Identifiers: MedGen CN221562.
Peutz-Jeghers syndrome (PJS). Also called: POLYPOSIS, HAMARTOMATOUS INTESTINAL; POLYPS-AND-SPOTS SYNDROME; Peutz-Jeghers polyposis; Periorificial lentiginosis syndrome. Identifiers: Orphanet 2869, MedGen C0031269, MeSH D010580, MONDO:0008280, OMIM 175200.
Malignant tumor of breast. Also called: Malignant breast neoplasm; Cancer breast. Identifiers: MedGen C0006142, MONDO:0007254. Disease mechanism: loss of function.

Allele frequency attached by ClinVar (database versions not stated): gnomAD 0.00009 and 0.00010; TOPMed 0.00011; ESP Exome Variant Server 0.00016; gnomAD exomes 0.00017 and 0.00018; ExAC 0.00018.
gnomAD v4.1: 274 of 1,612,314 alleles (0.017%); highest among the groups gnomAD compares: Middle Eastern, 0.099%; no homozygotes.

Submissions (26):

CeGaT Center for Human Genetics Tuebingen
Classification: Likely benign. Last evaluated: 2026-08-01. Review status: criteria provided, single submitter. Criteria: CeGaT Center For Human Genetics Tuebingen Variant Classification Criteria Version 2. Collection method: clinical testing. Allele origin: germline. Affected: yes. Observed: 5 variant alleles.
Comment: STK11: BP4, BP7

Labcorp Genetics (formerly Invitae), Labcorp
Classification: Benign for Peutz-Jeghers syndrome. Last evaluated: 2026-01-28. Review status: criteria provided, single submitter. Criteria: Invitae Variant Classification Sherloc (09022015). Collection method: clinical testing. Allele origin: germline.

Quest Diagnostics Nichols Institute San Juan Capistrano
Classification: Benign. Last evaluated: 2025-03-31. Review status: criteria provided, single submitter. Criteria: Quest Diagnostics criteria. Collection method: clinical testing. Allele origin: unknown.

Center for Genomic Medicine, Rigshospitalet, Copenhagen University Hospital
Classification: Likely benign. Last evaluated: 2025-03-04. Review status: criteria provided, single submitter. Criteria: ACMG Guidelines, 2015. Collection method: clinical testing. Allele origin: germline.

Laboratory of Genetics, Children's Clinical University Hospital Latvia
Classification: Benign. Last evaluated: 2025-02-16. Review status: criteria provided, single submitter. Criteria: ACMG Guidelines, 2015. Collection method: clinical testing. Allele origin: germline. Affected: yes.

Blueprint Genetics
Classification: Likely benign. Last evaluated: 2024-10-31. Review status: criteria provided, single submitter. Criteria: ACMG Guidelines, 2015. Collection method: clinical testing. Allele origin: germline.

Molecular Diagnostics Laboratory, Catalan Institute of Oncology
Classification: Likely benign for Hereditary cancer-predisposing syndrome. Last evaluated: 2024-10-08. Review status: criteria provided, single submitter. Criteria: ACMG Guidelines, 2015. Collection method: clinical testing. Allele origin: germline.
Comment: BP4, BP7 c.787T>C, located in exon 6 of the STK11 gene, is predicted to result in no amino acid change, p.(Leu263=)(BP7). This variant is found in 34/117196, with a filter allele frequency of 0.019% at 99% confidence in the gnomAD v2.1.1 database (European non-Finnish non-cancer data set). The SpliceAI algorithm predicts no significant impact on splicing (BP4). To our knowledge, neither relevant clinical data nor functional studies have been reported for this variant This variant has been reported in the ClinVar database (7x benign, 16x likely benign) and in the LOVD database (5x likely benign). Based on currently available information, the variant c.787T>C is classified as a likely benign variant according to ACMG guidelines.

All of Us Research Program, National Institutes of Health
Classification: Likely benign for Peutz-Jeghers syndrome. Last evaluated: 2024-02-05. Review status: criteria provided, single submitter. Criteria: ACMG Guidelines, 2015. Collection method: clinical testing. Allele origin: germline. Inheritance: Autosomal dominant inheritance. Observed: 49 variant alleles, 49 heterozygotes.
Comment: This study involves interpretation of variants in research participants for the purpose of population health screening. Participant phenotype was not available at the time of variant classification. Additional details can be found in publication PMID: 35346344, PMCID: PMC8962531

Institute for Biomarker Research, Medical Diagnostic Laboratories, L.L.C.
Classification: Likely benign for Hereditary cancer-predisposing syndrome. Last evaluated: 2023-08-04. Review status: criteria provided, single submitter. Criteria: ACMG Guidelines, 2015. Collection method: clinical testing. Allele origin: germline.

KCCC/NGS Laboratory, Kuwait Cancer Control Center
Classification: Benign for Peutz-Jeghers syndrome. Last evaluated: 2023-07-07. Review status: criteria provided, single submitter. Criteria: ACMG Guidelines, 2015. Collection method: clinical testing. Allele origin: germline. Affected: yes.

Myriad Genetics, Inc.
Classification: Benign for Peutz-Jeghers syndrome. Last evaluated: 2023-04-14. Review status: criteria provided, single submitter. Criteria: Myriad Autosomal Dominant, Autosomal Recessive and X-Linked Classification Criteria (2023). Collection method: clinical testing. Allele origin: unknown.
Comment: This variant is considered benign. This variant is a silent/synonymous amino acid change and it is not expected to impact splicing.

CHEO Genetics Diagnostic Laboratory, Children's Hospital of Eastern Ontario
Classification: Likely benign for Breast and/or ovarian cancer. Last evaluated: 2022-09-21. Review status: criteria provided, single submitter. Criteria: ACMG Guidelines, 2015. Collection method: clinical testing. Allele origin: germline.

Genome-Nilou Lab
Classification: Likely benign for Peutz-Jeghers syndrome. Last evaluated: 2021-07-15. Review status: criteria provided, single submitter. Criteria: ACMG Guidelines, 2015. Collection method: clinical testing. Allele origin: germline. Affected: no.

Sema4
Classification: Benign for Hereditary cancer-predisposing syndrome. Last evaluated: 2020-10-30. Review status: criteria provided, single submitter. Criteria: Sema4 Curation Guidelines. Collection method: curation. Allele origin: germline.

Color Diagnostics, LLC DBA Color Health
Classification: Likely benign for Hereditary cancer-predisposing syndrome. Last evaluated: 2015-08-10. Review status: criteria provided, single submitter. Criteria: ACMG Guidelines, 2015. Collection method: clinical testing. Allele origin: germline.

Ambry Genetics
Classification: Likely benign for Hereditary cancer-predisposing syndrome. Last evaluated: 2014-07-12. Review status: criteria provided, single submitter. Criteria: Ambry Variant Classification Scheme 2023. Collection method: clinical testing. Allele origin: germline.

GeneDx
Classification: Benign. Last evaluated: 2014-04-24. Review status: criteria provided, single submitter. Criteria: GeneDx Variant Classification (06012015). Collection method: clinical testing. Allele origin: germline. Affected: yes.
Comment: This variant is considered likely benign or benign based on one or more of the following criteria: it is a conservative change, it occurs at a poorly conserved position in the protein, it is predicted to be benign by multiple in silico algorithms, and/or has population frequency not consistent with disease.

PreventionGenetics, part of Exact Sciences
Classification: Likely benign for STK11-related condition. Last evaluated: 2019-07-09. Review status: no assertion criteria provided. Collection method: clinical testing. Allele origin: germline. Not counted in ClinVar's aggregate classification.
Comment: This variant is classified as likely benign based on ACMG/AMP sequence variant interpretation guidelines (Richards et al. 2015 PMID: 25741868, with internal and published modifications).

True Health Diagnostics
Classification: Likely benign for Hereditary cancer-predisposing syndrome. Last evaluated: 2017-08-11. Review status: no assertion criteria provided. Collection method: clinical testing. Allele origin: germline. Not counted in ClinVar's aggregate classification.

Counsyl
Classification: Likely benign for Peutz-Jeghers syndrome. Last evaluated: 2015-11-20. Review status: no assertion criteria provided. Collection method: clinical testing. Allele origin: unknown. Not counted in ClinVar's aggregate classification.

Clinical Genetics, Academic Medical Center
Classification: Likely benign. Review status: no assertion criteria provided. Collection method: clinical testing. Allele origin: germline. Affected: yes. Study: VKGL Data-share Consensus. Not counted in ClinVar's aggregate classification.

Department of Pathology and Laboratory Medicine, Sinai Health System
Classification: Likely benign for Malignant tumor of breast. Review status: no assertion criteria provided. Collection method: clinical testing. Allele origin: unknown. Affected: yes. Study: The Canadian Open Genetics Repository (COGR). Not counted in ClinVar's aggregate classification.
Comment: The STK11 p.Leu263= variant was not identified in the literature. The variant was identified in dbSNP (rs372378119) as â€šÃ„Ãºwith other alleleâ€šÃ„Ã¹, ClinVar (classified as likely benign by Color, Ambry Genetics, Counsyl, Quest Diagnostics and True Health Diagnostics and benign by Invitae and GeneDx) and LOVD 3.0 (observed 3x). The variant was identified in control databases in 52 of 278,592 chromosomes at a frequency of 0.000187 increasing the likelihood this could be a low frequency benign variant (Genome Aggregation Database Feb 27, 2017). The variant was observed in the following populations: Ashkenazi Jewish in 7 of 10,250 chromosomes (freq: 0.0007), European in 36 of 127,104 chromosomes (freq: 0.0003), Other in 2 of 7086 chromosomes (freq: 0.0003), Finnish in 5 of 24,994 chromosomes (freq: 0.0002), South Asian in 2 of 30,470 chromosomes (freq: 0.00007), while the variant was not observed in the African, Latino and East Asian populations. The p.Leu263= variant is not expected to have clinical significance because it does not result in a change of amino acid and is not located in a known consensus splice site. The variant occurs at a non-highly conserved nucleotide outside of the splicing consensus sequence and in silico or computational prediction software programs (SpliceSiteFinder, MaxEntScan, NNSPLICE, GeneSplicer) do not predict a difference in splicing. In summary, based on the above information the clinical significance of this variant cannot be determined with certainty at this time although we would lean towards a more benign role for this variant. This variant is classified as likely benign.

Diagnostic Laboratory, Department of Genetics, University Medical Center Groningen
Classification: Likely benign. Review status: no assertion criteria provided. Collection method: clinical testing. Allele origin: germline. Affected: yes. Study: VKGL Data-share Consensus. Not counted in ClinVar's aggregate classification.

Genome Diagnostics Laboratory, Amsterdam University Medical Center
Classification: Likely benign. Review status: no assertion criteria provided. Collection method: clinical testing. Allele origin: germline. Affected: yes. Study: VKGL Data-share Consensus. Not counted in ClinVar's aggregate classification.

Genome Diagnostics Laboratory, University Medical Center Utrecht
Classification: Likely benign. Review status: no assertion criteria provided. Collection method: clinical testing. Allele origin: germline. Affected: yes. Study: VKGL Data-share Consensus. Not counted in ClinVar's aggregate classification.

Joint Genome Diagnostic Labs from Nijmegen and Maastricht, Radboudumc and MUMC+
Classification: Likely benign. Review status: no assertion criteria provided. Collection method: clinical testing. Allele origin: germline. Affected: yes. Study: VKGL Data-share Consensus. Not counted in ClinVar's aggregate classification.

NM_000455.5(STK11):c.787T>C (p.Leu263=)

Gene: STK11 (serine/threonine kinase 11; plus strand). Cytogenetic location: 19p13.3.
Variant type: single nucleotide variant.
Coding change: c.787T>C on transcript NM_000455.5 (MANE Select); coding-DNA position 787, T replaced by C.
Protein change: p.Leu263=; no amino-acid change (leucine 263 retained).
Molecular consequence: synonymous variant.
Genome position (GRCh38, 1-based): chr19:1,221,265, T>C. VCF-style: chr19-1221265-T-C. GRCh37 (hg19) VCF-style: chr19-1221264-T-C.
Other names: p.L263L:TTG>CTG.
Identifiers: ClinVar variation 139335 (VCV000139335.76), dbSNP rs372378119, ClinGen allele CA023276.